The following is an entry in ClinVar:

NM_006767.4(LZTR1):c.350C>A (p.Pro117His)

Gene: LZTR1 (leucine zipper like post translational regulator 1; plus strand). Cytogenetic location: 22q11.21.
Variant type: single nucleotide variant.
Coding change: c.350C>A on transcript NM_006767.4 (MANE Select); coding-DNA position 350, C replaced by A.
Protein change: p.Pro117His; replaces proline 117 with histidine.
Molecular consequence: missense variant.
Genome position (GRCh38, 1-based): chr22:20,987,533, C>A. VCF-style: chr22-20987533-C-A. GRCh37 (hg19) VCF-style: chr22-21341822-C-A.
Other names: short protein forms P117H.
Identifiers: ClinVar variation 1732139 (VCV001732139.3), dbSNP rs752076438, ClinGen allele CA410779311.

ClinVar aggregate classification (germline): Uncertain significance. Review status: criteria provided, multiple submitters, no conflicts (2 of 4 stars). 2 submissions from 2 submitters: Uncertain significance (2). Last evaluated 2025-10-31.

Conditions:
Hereditary cancer-predisposing syndrome. Also called: Neoplastic Syndromes, Hereditary; Tumor predisposition; Hereditary Cancer Syndrome; Hereditary neoplastic syndrome. Identifiers: Orphanet 140162, MedGen C0027672, MeSH D009386, MONDO:0015356.
Cardiovascular phenotype. Identifiers: MedGen CN230736.

Submissions (2):

Labcorp Genetics (formerly Invitae), Labcorp
Classification: Uncertain significance. Last evaluated: 2025-10-31. Review status: criteria provided, single submitter. Criteria: Invitae Variant Classification Sherloc (09022015). Collection method: clinical testing. Allele origin: germline.
Comment: This sequence change replaces proline, which is neutral and non-polar, with histidine, which is basic and polar, at codon 117 of the LZTR1 protein (p.Pro117His). This variant is not present in population databases (gnomAD no frequency). This variant has not been reported in the literature in individuals affected with LZTR1-related conditions. ClinVar contains an entry for this variant (Variation ID: 1732139). Invitae Evidence Modeling of protein sequence and biophysical properties (such as structural, functional, and spatial information, amino acid conservation, physicochemical variation, residue mobility, and thermodynamic stability) indicates that this missense variant is not expected to disrupt LZTR1 protein function with a negative predictive value of 80%. In summary, the available evidence is currently insufficient to determine the role of this variant in disease. Therefore, it has been classified as a Variant of Uncertain Significance.

Ambry Genetics
Classification: Uncertain significance for Cardiovascular phenotype; Hereditary cancer-predisposing syndrome. Last evaluated: 2020-09-24. Review status: criteria provided, single submitter. Criteria: Ambry Variant Classification Scheme 2023. Collection method: clinical testing. Allele origin: germline.
Comment: The p.P117H variant (also known as c.350C>A), located in coding exon 4 of the LZTR1 gene, results from a C to A substitution at nucleotide position 350. The proline at codon 117 is replaced by histidine, an amino acid with similar properties. This amino acid position is highly conserved in available vertebrate species. In addition, the in silico prediction for this alteration is inconclusive. Since supporting evidence is limited at this time, the clinical significance of this alteration remains unclear.